The following is an entry in ClinVar:

NM_000092.5(COL4A4):c.3109_3110del (p.Leu1037fs)

Gene: COL4A4 (collagen type IV alpha 4 chain; minus strand). Cytogenetic location: 2q36.3.
Variant type: Deletion.
Coding change: c.3109_3110del on transcript NM_000092.5 (MANE Select); coding-DNA positions 3109 to 3110, 2 bases deleted (CT; older notation c.3109_3110delCT).
Protein change: p.Leu1037fs; shifts the reading frame from leucine 1037.
Molecular consequence: frameshift variant.
Genome position (GRCh38, 1-based): chr2:227,051,017-227,051,018, AG deleted on the plus strand (CT on the coding strand, the reverse complement: COL4A4 is on the minus strand); deleting any 2 consecutive bases within chr2:227,051,017-227,051,019 gives the same sequence; the c. name uses the placement nearest the transcript's 3' end. VCF-style (leftmost placement, unchanged base first): chr2-227051016-TAG-T. GRCh37 (hg19) VCF-style: chr2-227915732-TAG-T.
Other names: c.3109_3110delCT (NM_000092.5); short protein forms L1037fs.
Identifiers: ClinVar variation 562421 (VCV000562421.4), dbSNP rs1559500363, ClinGen allele CA658821236.
Genomic context (GRCh38, chr2:227,051,016, plus strand): 5'-CACAAAGCAGTAGCCCCTTACCTGGTCACCTGGAAGTCCTGGAAAACCAATGAACCCTCT[TAG>T]ACCAGTTGAGCCTGGAGGGCCTGGGGGTCCAGGAGGCCCTGGCTGACCTTTCTCACCAGG-3'

ClinVar aggregate classification (germline): Pathogenic/Likely pathogenic. Review status: criteria provided, multiple submitters, no conflicts (2 of 4 stars). 5 submissions from 5 submitters: Pathogenic (2); Likely pathogenic (2). 1 of the submissions does not count toward it. Last evaluated 2026-03-22.

Conditions:
COL4A4-related disorder.
Focal segmental glomerulosclerosis (FSGS). Also called: Glomerulosclerosis, focal; Focal sclerosis with hyalinosis. Identifiers: MedGen C0017668, MONDO:0100313, HP:0000097. Disease mechanism: loss of function.
Alport syndrome. Also called: Hemorrhagic familial nephritis; Hemorrhagic hereditary nephritis; Congenital hereditary hematuria. Identifiers: Orphanet 63, MedGen C1567741, MONDO:0018965.
Autosomal recessive Alport syndrome (ATS2). Also called: ALPORT SYNDROME 2, AUTOSOMAL RECESSIVE; COL4A3-Related Nephropathy; COL4A4 Alport Syndrome and Thin Basement Membrane Nephropathy; Alport syndrome type 2. Identifiers: Orphanet 63, Orphanet 88919, MedGen C4746745, MONDO:0008762, OMIM 203780.

Submissions (5):

Molecular Lab, University of Sulaimaniyah
Classification: Pathogenic for Focal segmental glomerulosclerosis. Last evaluated: 2026-03-22. Review status: criteria provided, single submitter. Criteria: ACMG Guidelines, 2015. Collection method: clinical testing. Allele origin: germline. Inheritance: Autosomal recessive inheritance. Affected: yes. Observed: 1 variant allele, 1 homozygote.
Comment: This variant was classified using the ACMG/AMP 2015 framework (PMID:25741868). PVS1 was applied because COL4A4 c.3109_3110delCT (p.Leu1037LysfsTer12) is a predicted loss-of-function frameshift variant expected to introduce a premature termination codon. PM2 was considered because the variant is absent or not reported in population databases. As internal case-level support, the variant was observed in 1 affected individual(s) from a biopsy-proven focal segmental glomerulosclerosis cohort, including 1 homozygote(s). Overall, the submitted evidence supported a Pathogenic classification.

Natera, Inc.
Classification: Pathogenic for Alport syndrome. Last evaluated: 2024-12-22. Review status: criteria provided, single submitter. Criteria: Natera Variant Classification Schema (03/2026). Collection method: clinical testing. Allele origin: germline.
Comment: The c.3109_3110del variant in COL4A4 is a frameshift variant predicted to shift the reading frame beginning at codon 1037 and leads to a stop codon 12 codons downstream. This variant is expected to result in nonsense mediated decay, truncation, or a dysfunctional protein product. This variant is rare in the general population with a frequency below the threshold expected for the associated phenotype(s). This variant has been observed in one or more individuals affected with the associated recessive disease, as either homozygous or compound heterozygous with a second variant (PMID: 30586318). Given the available evidence, this variant is classified as Pathogenic.

Blueprint Genetics
Classification: Likely pathogenic for COL4A4-related disorders. Last evaluated: 2017-08-03. Review status: criteria provided, single submitter. Criteria: ACMG Guidelines, 2015. Collection method: clinical testing. Allele origin: germline. Affected: yes. Observed: 1 variant allele.

Kariminejad - Najmabadi Pathology & Genetics Center
Classification: Likely pathogenic for Autosomal recessive Alport syndrome. Review status: criteria provided, single submitter. Criteria: ACMG Guidelines, 2015. Collection method: clinical testing. Allele origin: germline. Affected: no.

Gharavi Laboratory, Columbia University
Classification: Pathogenic. Last evaluated: 2018-09-16. Review status: no assertion criteria provided. Criteria: ACMG Guidelines, 2015. Collection method: research. Allele origin: germline. Affected: yes. Not counted in ClinVar's aggregate classification.

Literature cited by the submitters: PubMed 30586318 (cited by Natera, Inc.).